The following is an entry in ClinVar:

ClinVar aggregate classification (germline): Uncertain significance. Review status: criteria provided, multiple submitters, no conflicts (2 of 4 stars). 2 submissions from 2 submitters: Uncertain significance (2). Last evaluated 2024-09-20.

Conditions:
Myopathy, centronuclear, 5 (CNM5). Identifiers: Orphanet 169186, MedGen C4014814, MONDO:0014418, OMIM 615959.

Submissions (2):

Revvity Omics, Revvity
Classification: Uncertain significance for Myopathy, centronuclear, 5. Last evaluated: 2024-09-20. Review status: criteria provided, single submitter. Criteria: ACMG Guidelines, 2015. Collection method: clinical testing. Allele origin: germline.

Labcorp Genetics (formerly Invitae), Labcorp
Classification: Uncertain significance. Last evaluated: 2022-03-01. Review status: criteria provided, single submitter. Criteria: Invitae Variant Classification Sherloc (09022015). Collection method: clinical testing. Allele origin: germline.
Comment: This sequence change replaces glutamic acid, which is acidic and polar, with glutamine, which is neutral and polar, at codon 479 of the SPEG protein (p.Glu479Gln). This variant is not present in population databases (gnomAD no frequency). This variant has not been reported in the literature in individuals affected with SPEG-related conditions. Advanced modeling of protein sequence and biophysical properties (such as structural, functional, and spatial information, amino acid conservation, physicochemical variation, residue mobility, and thermodynamic stability) performed at Invitae indicates that this missense variant is expected to disrupt SPEG protein function. In summary, the available evidence is currently insufficient to determine the role of this variant in disease. Therefore, it has been classified as a Variant of Uncertain Significance.

NM_005876.5(SPEG):c.1435G>C (p.Glu479Gln)

Gene: SPEG (striated muscle enriched protein kinase; plus strand). Cytogenetic location: 2q35.
Variant type: single nucleotide variant.
Coding change: c.1435G>C on transcript NM_005876.5 (MANE Select); coding-DNA position 1435, G replaced by C.
Protein change: p.Glu479Gln; replaces glutamic acid 479 with glutamine.
Molecular consequence: missense variant.
Genome position (GRCh38, 1-based): chr2:219,448,593, G>C. VCF-style: chr2-219448593-G-C. GRCh37 (hg19) VCF-style: chr2-220313315-G-C.
Other names: short protein forms E479Q.
Identifiers: ClinVar variation 1932441 (VCV001932441.3), dbSNP rs1298411209, ClinGen allele CA350719732.
Genomic context (GRCh38, chr2:219,448,593, plus strand): 5'-GCGCCAGGCAGCGTGGCCGAGCGGCGCCGCCTGTTCCAGCAGAAAGCGGCCTCGCTGGAC[G>C]AGCGCACGCGTCAGCGCAGCCCGGCCTCAGACCTCGAGCTGCGCTTCGCCCAGGAGCTGG-3'
Protein context (NP_005867.3, residues 469-489): LFQQKAASLD[Glu479Gln]RTRQRSPASD